The following is an entry in ClinVar:

ClinVar aggregate classification (germline): Uncertain significance. Review status: criteria provided, multiple submitters, no conflicts (2 of 4 stars). 3 submissions from 3 submitters: Uncertain significance (2). 1 of the submissions does not count toward it. Last evaluated 2022-08-09.

Conditions:
Glycine encephalopathy. Also called: Nonketotic hyperglycinemia; Non-ketotic hyperglycinemia. Identifiers: Orphanet 407, MedGen C0751748, MONDO:0011612, HP:0008288.

Allele frequency attached by ClinVar (database versions not stated): gnomAD exomes below 0.00001.
gnomAD v4.1: 2 of 1,612,982 alleles (0.00012%); highest among the groups gnomAD compares: Middle Eastern, 0.017%; no homozygotes.

Submissions (3):

Labcorp Genetics (formerly Invitae), Labcorp
Classification: Uncertain significance for Glycine encephalopathy. Last evaluated: 2022-08-09. Review status: criteria provided, single submitter. Criteria: Invitae Variant Classification Sherloc (09022015). Collection method: clinical testing. Allele origin: germline.
Comment: This sequence change replaces glutamic acid, which is acidic and polar, with aspartic acid, which is acidic and polar, at codon 638 of the GLDC protein (p.Glu638Asp). This variant is not present in population databases (gnomAD no frequency). This variant has not been reported in the literature in individuals affected with GLDC-related conditions. ClinVar contains an entry for this variant (Variation ID: 1200277). Advanced modeling of protein sequence and biophysical properties (such as structural, functional, and spatial information, amino acid conservation, physicochemical variation, residue mobility, and thermodynamic stability) performed at Invitae indicates that this missense variant is not expected to disrupt GLDC protein function. In summary, the available evidence is currently insufficient to determine the role of this variant in disease. Therefore, it has been classified as a Variant of Uncertain Significance.

GeneDx
Classification: Uncertain significance. Last evaluated: 2020-09-25. Review status: criteria provided, single submitter. Criteria: GeneDx Variant Classification Process June 2021. Collection method: clinical testing. Allele origin: germline. Affected: yes.
Comment: Not observed in large population cohorts (Lek et al., 2016); In silico analysis supports that this missense variant does not alter protein structure/function; Has not been previously published as pathogenic or benign to our knowledge

Natera, Inc.
Classification: Uncertain significance for Non-ketotic hyperglycinemia. Last evaluated: 2020-03-17. Review status: no assertion criteria provided. Collection method: clinical testing. Allele origin: germline. Not counted in ClinVar's aggregate classification.

NM_000170.3(GLDC):c.1914G>C (p.Glu638Asp)

Gene: GLDC (glycine decarboxylase; minus strand). Cytogenetic location: 9p24.1.
Variant type: single nucleotide variant.
Coding change: c.1914G>C on transcript NM_000170.3 (MANE Select); coding-DNA position 1914, G replaced by C.
Protein change: p.Glu638Asp; replaces glutamic acid 638 with aspartic acid.
Molecular consequence: missense variant.
Genome position (GRCh38, 1-based): chr9:6,565,366, C>G on the plus strand (G>C on the coding strand, the complement: GLDC is on the minus strand). VCF-style: chr9-6565366-C-G. GRCh37 (hg19) VCF-style: chr9-6565366-C-G.
Other names: short protein forms E638D.
Identifiers: ClinVar variation 1200277 (VCV001200277.6), dbSNP rs1200000126, ClinGen allele CA372884351.